The following is an entry in ClinVar:

NM_005188.4(CBL):c.127_129dup (p.Leu43dup)

Genes: CBL (Cbl proto-oncogene; plus strand), LOC130006895 (ATAC-STARR-seq lymphoblastoid silent region 3975; plus strand). Cytogenetic location: 11q23.3.
Variant type: Duplication.
Coding change: c.127_129dup on transcript NM_005188.4 (MANE Select); coding-DNA positions 127 to 129, 3 bases duplicated (CTC; older notation c.127_129dupCTC).
Protein change: p.Leu43dup; duplicates leucine 43.
Molecular consequence: inframe insertion.
Genome position (GRCh38, 1-based): chr11:119,206,544-119,206,546, CTC duplicated; duplicating any 3 consecutive bases within chr11:119,206,543-119,206,546 gives the same sequence; the c. name uses the placement nearest the transcript's 3' end. VCF-style (leftmost placement, unchanged base first): chr11-119206542-A-ACCT. GRCh37 (hg19) VCF-style: chr11-119077252-A-ACCT.
Other names: c.127_129dupCTC (NM_005188.3).
Identifiers: ClinVar variation 543984 (VCV000543984.9), dbSNP rs1555225106, ClinGen allele CA658797813.

ClinVar aggregate classification (germline): Uncertain significance (1 of 4 stars; one submission).

Conditions:
RASopathy. Also called: Noonan spectrum disorder; rasopathies. Identifiers: Orphanet 536391, MedGen C5555857, MONDO:0021060.

Submission:

Labcorp Genetics (formerly Invitae), Labcorp
Classification: Uncertain significance for RASopathy. Last evaluated: 2017-10-16. Review status: criteria provided, single submitter. Criteria: Invitae Variant Classification Sherloc (09022015). Collection method: clinical testing. Allele origin: germline.
Comment: In summary, the available evidence is currently insufficient to determine the role of this variant in disease. Therefore, it has been classified as a Variant of Uncertain Significance. Experimental studies and prediction algorithms are not available for this variant, and the functional significance of the duplicated amino acid is currently unknown. This variant has not been reported in the literature in individuals with CBL-related disease. This variant, c.127_129dupCTC, results in the insertion of 1 amino acid to the CBL protein (p.Leu43dup), but otherwise preserves the integrity of the reading frame. This variant is not present in population databases (ExAC no frequency).